The following is an entry in ClinVar:

ClinVar aggregate classification (germline): Uncertain significance (1 of 4 stars; one submission).

Conditions:
Zellweger spectrum disorders (ZS). Also called: Zellweger Spectrum Disorder; Zellweger Spectrum; Zellweger Spectrum Disorder (ZSD); Zellweger syndrome. Identifiers: Orphanet 912, MedGen C0043459, MONDO:0019609.

Submission:

Labcorp Genetics (formerly Invitae), Labcorp
Classification: Uncertain significance for Zellweger spectrum disorders. Last evaluated: 2025-08-18. Review status: criteria provided, single submitter. Criteria: Invitae Variant Classification Sherloc (09022015). Collection method: clinical testing. Allele origin: germline.
Comment: This sequence change replaces valine, which is neutral and non-polar, with glycine, which is neutral and non-polar, at codon 106 of the PEX1 protein (p.Val106Gly). This variant is not present in population databases (gnomAD no frequency). This variant has not been reported in the literature in individuals affected with PEX1-related conditions. ClinVar contains an entry for this variant (Variation ID: 2109162). Invitae Evidence Modeling of protein sequence and biophysical properties (such as structural, functional, and spatial information, amino acid conservation, physicochemical variation, residue mobility, and thermodynamic stability) indicates that this missense variant is expected to disrupt PEX1 protein function with a positive predictive value of 95%. Algorithms developed to predict the effect of sequence changes on RNA splicing suggest that this variant may disrupt the consensus splice site. In summary, the available evidence is currently insufficient to determine the role of this variant in disease. Therefore, it has been classified as a Variant of Uncertain Significance.

NM_000466.3(PEX1):c.317T>G (p.Val106Gly)

Gene: PEX1 (peroxisomal biogenesis factor 1; minus strand). Cytogenetic location: 7q21.2.
Variant type: single nucleotide variant.
Coding change: c.317T>G on transcript NM_000466.3 (MANE Select); coding-DNA position 317, T replaced by G.
Protein change: p.Val106Gly; replaces valine 106 with glycine.
Molecular consequence: missense variant. On other transcripts: 5 prime UTR variant (1).
Genome position (GRCh38, 1-based): chr7:92,519,035, A>C on the plus strand (T>G on the coding strand, the complement: PEX1 is on the minus strand). VCF-style: chr7-92519035-A-C. GRCh37 (hg19) VCF-style: chr7-92148349-A-C.
Other names: c.317T>G, p.Val106Gly (NM_001282677.2); c.-343T>G (NM_001282678.2); short protein forms V106G.
Identifiers: ClinVar variation 2109162 (VCV002109162.4), dbSNP rs2484706929, ClinGen allele CA368203094.